The following is an entry in ClinVar:

NM_054012.4(ASS1):c.838+1G>T

Gene: ASS1 (argininosuccinate synthase 1; plus strand). Cytogenetic location: 9q34.11.
Variant type: single nucleotide variant.
Coding change: c.838+1G>T on transcript NM_054012.4 (MANE Select); the canonical splice donor site of the intron after coding-DNA position 838, G replaced by T.
Molecular consequence: splice donor variant.
Genome position (GRCh38, 1-based): chr9:130,480,450, G>T. VCF-style: chr9-130480450-G-T. GRCh37 (hg19) VCF-style: chr9-133355837-G-T.
Other names: c.838+1G>T (NM_000050.4).
Identifiers: ClinVar variation 555072 (VCV000555072.16), dbSNP rs750214431, ClinGen allele CA5283540.

ClinVar aggregate classification (germline): Pathogenic/Likely pathogenic. Review status: criteria provided, multiple submitters, no conflicts (2 of 4 stars). 4 submissions from 4 submitters: Pathogenic (1); Likely pathogenic (2). 1 of the submissions does not count toward it. Last evaluated 2025-09-02.

Conditions:
Citrullinemia type I (CTNL1). Also called: argininosuccinate synthetase deficiency; ASS DEFICIENCY. Identifiers: Orphanet 247525, MedGen C4721769, MONDO:0008988, OMIM 215700.
ASS1-related disorder. Also called: ASS1-related condition.
Citrullinemia. Identifiers: Orphanet 187, MedGen C0175683, MONDO:0015991.

Allele frequency attached by ClinVar (database versions not stated): gnomAD exomes below 0.00001 and 0.00001; TOPMed below 0.00001; ExAC 0.00001; gnomAD 0.00001.
gnomAD v4.1: 3 of 1,613,870 alleles (0.00019%); highest among the groups gnomAD compares: Non-Finnish European, 0.00025%; no homozygotes.

Submissions (4):

Labcorp Genetics (formerly Invitae), Labcorp
Classification: Pathogenic for Citrullinemia. Last evaluated: 2025-09-02. Review status: criteria provided, single submitter. Criteria: Invitae Variant Classification Sherloc (09022015). Collection method: clinical testing. Allele origin: germline.
Comment: This sequence change affects a donor splice site in intron 12 of the ASS1 gene. It is expected to disrupt RNA splicing. Variants that disrupt the donor or acceptor splice site typically lead to a loss of protein function (PMID: 16199547), and loss-of-function variants in ASS1 are known to be pathogenic (PMID: 18473344, 19006241). This variant is present in population databases (rs750214431, gnomAD 0.002%). Disruption of this splice site has been observed in individuals with citrullinemia type 1 (PMID: 19006241, 28111830). ClinVar contains an entry for this variant (Variation ID: 555072). Algorithms developed to predict the effect of sequence changes on RNA splicing suggest that this variant may disrupt the consensus splice site. For these reasons, this variant has been classified as Pathogenic.

Natera, Inc.
Classification: Likely pathogenic for Citrullinemia type I. Last evaluated: 2024-11-20. Review status: criteria provided, single submitter. Criteria: Natera Variant Classification Schema (03/2026). Collection method: clinical testing. Allele origin: germline.
Comment: The c.838+1G>T variant in ASS1 is a canonical splice donor site variant predicted to affect pre-mRNA splicing, which may result in an abnormal transcript and altered protein product. This variant is expected to result in nonsense mediated decay, truncation, or a dysfunctional protein product. This variant is rare in the general population with a frequency below the threshold expected for the associated phenotype(s). Given the available evidence, this variant is classified as Likely Pathogenic.

Blueprint Genetics
Classification: Likely pathogenic for ASS1-related disorders. Last evaluated: 2024-09-19. Review status: criteria provided, single submitter. Criteria: ACMG Guidelines, 2015. Collection method: clinical testing. Allele origin: germline. Affected: yes. Observed: 1 variant allele.

Counsyl
Classification: Likely pathogenic for Citrullinemia type I. Last evaluated: 2017-11-13. Review status: no assertion criteria provided. Collection method: clinical testing. Allele origin: unknown. Not counted in ClinVar's aggregate classification.

Literature cited by the submitters: PubMed 16199547 (cited by Labcorp Genetics (formerly Invitae), Labcorp); PubMed 18473344 (cited by Labcorp Genetics (formerly Invitae), Labcorp); PubMed 19006241 (cited by Labcorp Genetics (formerly Invitae), Labcorp); PubMed 28111830 (cited by Labcorp Genetics (formerly Invitae), Labcorp and Counsyl).